The following is an entry in ClinVar:

ClinVar aggregate classification (germline): Likely benign (1 of 4 stars; one submission).

Conditions:
RAI1-related disorder. Also called: RAI1-related condition.

Submission:

PreventionGenetics, part of Exact Sciences
Classification: Likely benign for RAI1-related condition. Last evaluated: 2026-07-13. Review status: criteria provided, single submitter. Criteria: ACMG Guidelines, 2015. Collection method: clinical testing. Allele origin: germline.
Comment: This variant is classified as likely benign based on ACMG/AMP sequence variant interpretation guidelines (Richards et al. 2015 PMID: 25741868, with internal and published modifications).

NM_030665.4(RAI1):c.-148-59T>C

Gene: RAI1 (retinoic acid induced 1; plus strand). Cytogenetic location: 17p11.2.
Variant type: single nucleotide variant.
Coding change: c.-148-59T>C on transcript NM_030665.4 (MANE Select); 59 bases into the intron before 148 bases upstream of the start codon, T replaced by C.
Molecular consequence: intron variant.
Genome position (GRCh38, 1-based): chr17:17,723,969, T>C. VCF-style: chr17-17723969-T-C. GRCh37 (hg19) VCF-style: chr17-17627283-T-C.
Identifiers: ClinVar variation 4977938 (VCV004977938.1).